The following is an entry in ClinVar:

ClinVar aggregate classification (germline): Uncertain significance (1 of 4 stars; one submission).

Submission:

GeneDx
Classification: Uncertain significance. Last evaluated: 2025-02-18. Review status: criteria provided, single submitter. Criteria: GeneDx Variant Classification Process June 2021. Collection method: clinical testing. Allele origin: germline. Affected: yes.
Comment: Not observed at significant frequency in large population cohorts (gnomAD); In silico analysis supports that this missense variant has a deleterious effect on protein structure/function; Has not been previously published as pathogenic or benign to our knowledge

NM_021096.4(CACNA1I):c.206G>C (p.Arg69Pro)

Gene: CACNA1I (calcium voltage-gated channel subunit alpha1 I; plus strand). Cytogenetic location: 22q13.1.
Variant type: single nucleotide variant.
Coding change: c.206G>C on transcript NM_021096.4 (MANE Select); coding-DNA position 206, G replaced by C.
Protein change: p.Arg69Pro; replaces arginine 69 with proline.
Molecular consequence: missense variant.
Genome position (GRCh38, 1-based): chr22:39,570,958, G>C. VCF-style: chr22-39570958-G-C. GRCh37 (hg19) VCF-style: chr22-39966963-G-C.
Other names: c.206G>C, p.Arg69Pro (NM_001003406.2); short protein forms R69P.
Identifiers: ClinVar variation 4075559 (VCV004075559.1).